The following is an entry in ClinVar:

NM_001692.4(ATP6V1B1):c.30G>A (p.Gly10=)

Gene: ATP6V1B1 (ATPase H+ transporting V1 subunit B1; plus strand). Cytogenetic location: 2p13.3.
Variant type: single nucleotide variant.
Coding change: c.30G>A on transcript NM_001692.4 (MANE Select); coding-DNA position 30, G replaced by A.
Protein change: p.Gly10=; no amino-acid change (glycine 10 retained).
Molecular consequence: synonymous variant.
Genome position (GRCh38, 1-based): chr2:70,935,984, G>A. VCF-style: chr2-70935984-G-A. GRCh37 (hg19) VCF-style: chr2-71163114-G-A.
Identifiers: ClinVar variation 2651016 (VCV002651016.24), dbSNP rs782382032, ClinGen allele CA426679945.
Genomic context (GRCh38, chr2:70,935,984, plus strand): 5'-AGACACTGGGCTCCCAGCTGGGGACTGCTCCATGGCCATGGAGATAGACAGCAGGCCTGG[G>A]GGGCTCCCCGGCAGTAGCTGCAACCTAGGTGCAGCCCGAGAACACATGCAGGCGGTCACC-3'
Protein context (NP_001683.2, residues 1-20): MAMEIDSRP[Gly10=]GLPGSSCNLG

ClinVar aggregate classification (germline): Likely benign (1 of 4 stars; one submission).

Submission:

CeGaT Center for Human Genetics Tuebingen
Classification: Likely benign. Last evaluated: 2023-03-01. Review status: criteria provided, single submitter. Criteria: CeGaT Center For Human Genetics Tuebingen Variant Classification Criteria Version 2. Collection method: clinical testing. Allele origin: germline. Affected: yes. Observed: 1 variant allele.
Comment: ATP6V1B1: PM2:Supporting, BP4, BP7